The following is an entry in ClinVar:

ClinVar aggregate classification (germline): Uncertain significance (1 of 4 stars; one submission).

Conditions:
Blau syndrome (BLAUS). Also called: ARTHROCUTANEOUVEAL GRANULOMATOSIS; GRANULOMATOSIS, FAMILIAL JUVENILE SYSTEMIC; GRANULOMATOSIS, FAMILIAL, BLAU TYPE; GRANULOMATOUS INFLAMMATORY ARTHRITIS, DERMATITIS, AND UVEITIS, FAMILIAL; JABS SYNDROME. Identifiers: Orphanet 90340, MedGen C5201146, MONDO:0008523, OMIM 186580.
Regional enteritis. Also called: Enteritis, Granulomatous. Identifiers: MedGen C0678202, MeSH D003424.

Submission:

Labcorp Genetics (formerly Invitae), Labcorp
Classification: Uncertain significance for Regional enteritis; Blau syndrome. Last evaluated: 2022-08-09. Review status: criteria provided, single submitter. Criteria: Invitae Variant Classification Sherloc (09022015). Collection method: clinical testing. Allele origin: germline.
Comment: This sequence change replaces cysteine, which is neutral and slightly polar, with tyrosine, which is neutral and polar, at codon 483 of the NOD2 protein (p.Cys483Tyr). This variant is not present in population databases (gnomAD no frequency). This missense change has been observed in individual(s) with clinical features of Blau syndrome (Invitae). It has also been observed to segregate with disease in related individuals. Algorithms developed to predict the effect of missense changes on protein structure and function are either unavailable or do not agree on the potential impact of this missense change (SIFT: "Deleterious"; PolyPhen-2: "Probably Damaging"; Align-GVGD: "Class C0"). In summary, the available evidence is currently insufficient to determine the role of this variant in disease. Therefore, it has been classified as a Variant of Uncertain Significance.

NM_001370466.1(NOD2):c.1367G>A (p.Cys456Tyr)

Gene: NOD2 (nucleotide binding oligomerization domain containing 2; plus strand). Cytogenetic location: 16q12.1.
Variant type: single nucleotide variant.
Coding change: c.1367G>A on transcript NM_001370466.1 (MANE Select); coding-DNA position 1367, G replaced by A.
Protein change: p.Cys456Tyr; replaces cysteine 456 with tyrosine.
Molecular consequence: missense variant. On other transcripts: non-coding transcript variant (1).
Genome position (GRCh38, 1-based): chr16:50,711,359, G>A. VCF-style: chr16-50711359-G-A. GRCh37 (hg19) VCF-style: chr16-50745270-G-A.
Other names: c.1367G>A, p.Cys456Tyr (NM_001293557.2); c.1448G>A, p.Cys483Tyr (NM_022162.3); short protein forms C483Y, C456Y.
Identifiers: ClinVar variation 2103721 (VCV002103721.4), dbSNP rs752289154, ClinGen allele CA395868940.